The following is an entry in ClinVar:

ClinVar aggregate classification (germline): Uncertain significance (1 of 4 stars; one submission).

Allele frequency attached by ClinVar (database versions not stated): gnomAD exomes below 0.00001.
gnomAD v4.1: 1 of 1,608,254 alleles (0.000062%); highest among the groups gnomAD compares: Non-Finnish European, 0.000085%; no homozygotes.

Submission:

Labcorp Genetics (formerly Invitae), Labcorp
Classification: Uncertain significance. Last evaluated: 2023-07-17. Review status: criteria provided, single submitter. Criteria: Invitae Variant Classification Sherloc (09022015). Collection method: clinical testing. Allele origin: germline.
Comment: This variant has not been reported in the literature in individuals affected with RTTN-related conditions. In summary, the available evidence is currently insufficient to determine the role of this variant in disease. Therefore, it has been classified as a Variant of Uncertain Significance. An algorithm developed to predict the effect of missense changes on protein structure and function (PolyPhen-2) suggests that this variant is likely to be disruptive. ClinVar contains an entry for this variant (Variation ID: 2000408). This variant is not present in population databases (gnomAD no frequency). This sequence change replaces threonine, which is neutral and polar, with isoleucine, which is neutral and non-polar, at codon 396 of the RTTN protein (p.Thr396Ile).

NM_173630.4(RTTN):c.1187C>T (p.Thr396Ile)

Gene: RTTN (rotatin; minus strand). Cytogenetic location: 18q22.2.
Variant type: single nucleotide variant.
Coding change: c.1187C>T on transcript NM_173630.4 (MANE Select); coding-DNA position 1187, C replaced by T.
Protein change: p.Thr396Ile; replaces threonine 396 with isoleucine.
Molecular consequence: missense variant. On other transcripts: 5 prime UTR variant (1).
Genome position (GRCh38, 1-based): chr18:70,190,540, G>A on the plus strand (C>T on the coding strand, the complement: RTTN is on the minus strand). VCF-style: chr18-70190540-G-A. GRCh37 (hg19) VCF-style: chr18-67857776-G-A.
Other names: c.-1367C>T (NM_001318520.2); short protein forms T396I.
Identifiers: ClinVar variation 2000408 (VCV002000408.4), dbSNP rs2512987500, ClinGen allele CA402698953.